The following is an entry in ClinVar:

ClinVar aggregate classification (germline): Uncertain significance (1 of 4 stars; one submission).

Submission:

Labcorp Genetics (formerly Invitae), Labcorp
Classification: Uncertain significance. Last evaluated: 2024-03-28. Review status: criteria provided, single submitter. Criteria: Invitae Variant Classification Sherloc (09022015). Collection method: clinical testing. Allele origin: germline.
Comment: This sequence change replaces isoleucine, which is neutral and non-polar, with threonine, which is neutral and polar, at codon 643 of the NAA15 protein (p.Ile643Thr). This variant is not present in population databases (gnomAD no frequency). This variant has not been reported in the literature in individuals affected with NAA15-related conditions. An algorithm developed to predict the effect of missense changes on protein structure and function (PolyPhen-2) suggests that this variant is likely to be tolerated. In summary, the available evidence is currently insufficient to determine the role of this variant in disease. Therefore, it has been classified as a Variant of Uncertain Significance.

NM_057175.5(NAA15):c.1928T>C (p.Ile643Thr)

Gene: NAA15 (N-alpha-acetyltransferase 15, NatA auxiliary subunit; plus strand). Cytogenetic location: 4q31.1.
Variant type: single nucleotide variant.
Coding change: c.1928T>C on transcript NM_057175.5 (MANE Select); coding-DNA position 1928, T replaced by C.
Protein change: p.Ile643Thr; replaces isoleucine 643 with threonine.
Molecular consequence: missense variant.
Genome position (GRCh38, 1-based): chr4:139,370,385, T>C. VCF-style: chr4-139370385-T-C. GRCh37 (hg19) VCF-style: chr4-140291539-T-C.
Other names: c.1928T>C, p.Ile643Thr (NM_001410842.1); short protein forms I643T.
Identifiers: ClinVar variation 3647962 (VCV003647962.2).
Genomic context (GRCh38, chr4:139,370,385, plus strand): 5'-ATCAGAAAAAGAAGAAGGATGATGATGATGAGGAGATAGGAGGTCCAAAAGAAGAACTTA[T>C]TCCAGAGAAACTGGCCAAGGTACTTAATAATAGTGTTTAGCACAATTGAGTGACATTTTA-3'
Protein context (NP_476516.1, residues 633-653): EEIGGPKEEL[Ile643Thr]PEKLAKVETP